The following is an entry in ClinVar:

NM_000127.3(EXT1):c.873C>G (p.Asp291Glu)

Gene: EXT1 (exostosin glycosyltransferase 1; minus strand). Cytogenetic location: 8q24.11.
Variant type: single nucleotide variant.
Coding change: c.873C>G on transcript NM_000127.3 (MANE Select); coding-DNA position 873, C replaced by G.
Protein change: p.Asp291Glu; replaces aspartic acid 291 with glutamic acid.
Molecular consequence: missense variant.
Genome position (GRCh38, 1-based): chr8:118,110,174, G>C on the plus strand (C>G on the coding strand, the complement: EXT1 is on the minus strand). VCF-style: chr8-118110174-G-C. GRCh37 (hg19) VCF-style: chr8-119122413-G-C.
Other names: short protein forms D291E.
Identifiers: ClinVar variation 998182 (VCV000998182.6), dbSNP rs372750330, ClinGen allele CA184682407.
Genomic context (GRCh38, chr8:118,110,174, plus strand): 5'-GCGAGAATCCTTGTGCTTTTGCCAGTCTTTGCCATGCTTGCAGGTGGTGAGGAGCACAAC[G>C]TCCTCCCCGTTATGGACGTGATATAAGGCATTCCTGGTGTCTGATCCTATCCCTGTCAGG-3'
Protein context (NP_000118.2, residues 281-301): NALYHVHNGE[Asp291Glu]VVLLTTCKHG

ClinVar aggregate classification (germline): Conflicting classifications of pathogenicity. Review status: criteria provided, conflicting classifications (1 of 4 stars). 3 submissions from 3 submitters: Uncertain significance (2); Likely benign (1). Last evaluated 2024-09-20.

Conditions:
Multiple congenital exostosis (EXT). Also called: MULTIPLE CARTILAGINOUS EXOSTOSES; Multiple exostoses; Multiple osteochondromas; Hereditary multiple exostoses; Hereditary multiple exostosis; Hereditary multiple osteochondromas. Identifiers: Orphanet 321, MedGen C0015306, MONDO:0005508, HP:0002762.
Exostoses, multiple, type 1 (EXT1). Also called: Hereditary Multiple Osteochondromatosis, Type I; EXOSTOSES, MULTIPLE, TYPE I. Identifiers: MedGen CN263289, MONDO:0007585, OMIM 133700.
Chondrosarcoma. Also called: Chondrosarcoma, somatic. Identifiers: Orphanet 55880, MedGen C0008479, MONDO:0008977, OMIM 215300, HP:0006765.

Allele frequency attached by ClinVar (database versions not stated): TOPMed 0.00001; ESP Exome Variant Server 0.00008.

Submissions (3):

3billion
Classification: Likely benign for Exostoses, multiple, type 1. Last evaluated: 2024-09-20. Review status: criteria provided, single submitter. Criteria: ACMG Guidelines, 2015. Collection method: clinical testing. Allele origin: germline. Affected: no.
Comment: The variant was identified in at least one patient who was diagnosed with a different variant in another gene and showed no symptoms related to the gene containing the variant in question.

Labcorp Genetics (formerly Invitae), Labcorp
Classification: Uncertain significance for Multiple congenital exostosis. Last evaluated: 2022-09-05. Review status: criteria provided, single submitter. Criteria: Invitae Variant Classification Sherloc (09022015). Collection method: clinical testing. Allele origin: germline.
Comment: ClinVar contains an entry for this variant (Variation ID: 998182). Advanced modeling of protein sequence and biophysical properties (such as structural, functional, and spatial information, amino acid conservation, physicochemical variation, residue mobility, and thermodynamic stability) performed at Invitae indicates that this missense variant is not expected to disrupt EXT1 protein function. In summary, the available evidence is currently insufficient to determine the role of this variant in disease. Therefore, it has been classified as a Variant of Uncertain Significance. This variant has not been reported in the literature in individuals affected with EXT1-related conditions. This variant is not present in population databases (gnomAD no frequency). This sequence change replaces aspartic acid, which is acidic and polar, with glutamic acid, which is acidic and polar, at codon 291 of the EXT1 protein (p.Asp291Glu).

Baylor Genetics
Classification: Uncertain significance for Chondrosarcoma. Last evaluated: 2020-02-12. Review status: criteria provided, single submitter. Criteria: ACMG Guidelines, 2015. Collection method: clinical testing. Allele origin: maternal. Affected: yes. Study: CSER-TexasKidsCanSeq.
Comment: This variant was determined to be of uncertain significance according to ACMG Guidelines, 2015 [PMID:25741868].